The following is an entry in ClinVar:

ClinVar aggregate classification (germline): Uncertain significance (1 of 4 stars; one submission).

Conditions:
Combined immunodeficiency due to CTPS1 deficiency. Also called: Immunodeficiency 24; Severe combined immunodeficiency due to CTPS1 deficiency. Identifiers: Orphanet 420573, MedGen C4014617, MONDO:0014391, OMIM 615897.

Allele frequency attached by ClinVar (database versions not stated): gnomAD 0.00001; TOPMed below 0.00001; ExAC 0.00002; gnomAD exomes 0.00001.
gnomAD v4.1: 3 of 1,613,524 alleles (0.00019%); highest among the groups gnomAD compares: African/African-American, 0.0013%; no homozygotes.

Submission:

Labcorp Genetics (formerly Invitae), Labcorp
Classification: Uncertain significance for Combined immunodeficiency due to CTPS1 deficiency. Last evaluated: 2021-07-21. Review status: criteria provided, single submitter. Criteria: Invitae Variant Classification Sherloc (09022015). Collection method: clinical testing. Allele origin: germline.
Comment: In summary, the available evidence is currently insufficient to determine the role of this variant in disease. Therefore, it has been classified as a Variant of Uncertain Significance. Algorithms developed to predict the effect of missense changes on protein structure and function (SIFT, PolyPhen-2, Align-GVGD) all suggest that this variant is likely to be tolerated, but these predictions have not been confirmed by published functional studies and their clinical significance is uncertain. This sequence change replaces glutamic acid with lysine at codon 297 of the CTPS1 protein (p.Glu297Lys). The glutamic acid residue is moderately conserved and there is a small physicochemical difference between glutamic acid and lysine. This variant is present in population databases (rs746188198, ExAC 0.003%). This variant has not been reported in the literature in individuals with CTPS1-related disease.

NM_001905.4(CTPS1):c.889G>A (p.Glu297Lys)

Gene: CTPS1 (CTP synthase 1; plus strand). Cytogenetic location: 1p34.2.
Variant type: single nucleotide variant.
Coding change: c.889G>A on transcript NM_001905.4 (MANE Select); coding-DNA position 889, G replaced by A.
Protein change: p.Glu297Lys; replaces glutamic acid 297 with lysine.
Molecular consequence: missense variant. On other transcripts: non-coding transcript variant (1).
Genome position (GRCh38, 1-based): chr1:40,997,410, G>A. VCF-style: chr1-40997410-G-A. GRCh37 (hg19) VCF-style: chr1-41463082-G-A.
Other names: c.421G>A, p.Glu141Lys (NM_001301237.2); short protein forms E297K, E141K.
Identifiers: ClinVar variation 541953 (VCV000541953.9), dbSNP rs746188198, ClinGen allele CA795378.
Genomic context (GRCh38, chr1:40,997,410, plus strand): 5'-GTACCTTCTGAGTAATTGGGTTTTTCTTGACGTTTATTTGATAGATATGATCGCTTGCTG[G>A]AGACCTGCTCTATTGCCCTTGTGGGCAAATACACGAAGTTCTCAGACTCCTATGCCTCTG-3'
Protein context (NP_001896.2, residues 287-307): EMADRYDRLL[Glu297Lys]TCSIALVGKY